The following is an entry in ClinVar:

NM_014844.5(TECPR2):c.2617G>T (p.Ala873Ser)

Gene: TECPR2 (tectonin beta-propeller repeat containing 2; plus strand). Cytogenetic location: 14q32.31.
Variant type: single nucleotide variant.
Coding change: c.2617G>T on transcript NM_014844.5 (MANE Select); coding-DNA position 2617, G replaced by T.
Protein change: p.Ala873Ser; replaces alanine 873 with serine.
Molecular consequence: missense variant.
Genome position (GRCh38, 1-based): chr14:102,440,474, G>T. VCF-style: chr14-102440474-G-T. GRCh37 (hg19) VCF-style: chr14-102906811-G-T.
Other names: c.2617G>T, p.Ala873Ser (NM_001172631.3); short protein forms A873S.
Identifiers: ClinVar variation 1350766 (VCV001350766.8), dbSNP rs755300630, ClinGen allele CA7357998.

ClinVar aggregate classification (germline): Uncertain significance (1 of 4 stars; one submission).

Conditions:
Hereditary spastic paraplegia 49 (HSAN9). Also called: Spastic paraplegia 49, autosomal recessive; TECPR2-Related Hereditary Sensory and Autonomic Neuropathy with Intellectual Disability; NEUROPATHY, HEREDITARY SENSORY AND AUTONOMIC, TYPE IX, WITH DEVELOPMENTAL DELAY. Identifiers: Orphanet 320385, MedGen C5190860, MONDO:0014016, OMIM 615031.

Allele frequency attached by ClinVar (database versions not stated): gnomAD exomes below 0.00001; ExAC 0.00002.
gnomAD v4.1: 4 of 1,614,168 alleles (0.00025%); highest among the groups gnomAD compares: Non-Finnish European, 0.00034%; no homozygotes.

Submission:

Labcorp Genetics (formerly Invitae), Labcorp
Classification: Uncertain significance for Hereditary spastic paraplegia 49. Last evaluated: 2021-05-13. Review status: criteria provided, single submitter. Criteria: Invitae Variant Classification Sherloc (09022015). Collection method: clinical testing. Allele origin: germline.
Comment: This sequence change replaces alanine with serine at codon 873 of the TECPR2 protein (p.Ala873Ser). The alanine residue is highly conserved and there is a moderate physicochemical difference between alanine and serine. This variant is present in population databases (rs755300630, ExAC 0.003%). This variant has not been reported in the literature in individuals with TECPR2-related conditions. Algorithms developed to predict the effect of missense changes on protein structure and function are either unavailable or do not agree on the potential impact of this missense change (SIFT: "Deleterious"; PolyPhen-2: "Possibly Damaging"; Align-GVGD: "Class C0"). In summary, the available evidence is currently insufficient to determine the role of this variant in disease. Therefore, it has been classified as a Variant of Uncertain Significance.